The following is an entry in ClinVar:

ClinVar aggregate classification (germline): Uncertain significance (1 of 4 stars; one submission).

gnomAD v4.1: 27 of 1,612,060 alleles (0.0017%); highest among the groups gnomAD compares: Non-Finnish European, 0.0023%; no homozygotes.

Submission:

Dasa
Classification: Uncertain significance. Last evaluated: 2025-07-03. Review status: criteria provided, single submitter. Criteria: DASA Assertion Criteria. Collection method: clinical testing. Allele origin: germline.
Comment: NM_198525.3(KIF7):c.3969G>T (p.Lys1323Asn) is a missense variant that results in the substitution of lysine with asparagine. This variant is rare in population databases. Computational prediction algorithms are consistent with a benign effect. The currently available literature and clinical evidence are not sufficient to establish a definitive association between this variant and the reported condition. Therefore, this variant is classified as a variant of uncertain significance.

NM_198525.3(KIF7):c.3969G>T (p.Lys1323Asn)

Gene: KIF7 (kinesin family member 7; minus strand). Cytogenetic location: 15q26.1.
Variant type: single nucleotide variant.
Coding change: c.3969G>T on transcript NM_198525.3 (MANE Select); coding-DNA position 3969, G replaced by T.
Protein change: p.Lys1323Asn; replaces lysine 1323 with asparagine.
Molecular consequence: missense variant.
Genome position (GRCh38, 1-based): chr15:89,628,482, C>A on the plus strand (G>T on the coding strand, the complement: KIF7 is on the minus strand). VCF-style: chr15-89628482-C-A. GRCh37 (hg19) VCF-style: chr15-90171713-C-A.
Other names: short protein forms K1323N.
Identifiers: ClinVar variation 4883118 (VCV004883118.2).
Genomic context (GRCh38, chr15:89,628,482, plus strand): 5'-CAGGGGGTTTTTCCGGACATCAATCATCCCCGGGCTGGCTCGTCGCAGTTCCCGCCGGGG[C>A]TTGGACAAAGGCCCAAAGTTCCAGGGCAGGCCTGCCTCACCCACAGGAAGCACCCGCCCC-3'
Protein context (NP_940927.2, residues 1313-1333): GLPWNFGPLS[Lys1323Asn]PRRELRRASP